The following is an entry in ClinVar:

NM_024741.3(ZNF408):c.1114G>A (p.Ala372Thr)

Gene: ZNF408 (zinc finger protein 408; plus strand). Cytogenetic location: 11p11.2.
Variant type: single nucleotide variant.
Coding change: c.1114G>A on transcript NM_024741.3 (MANE Select); coding-DNA position 1114, G replaced by A.
Protein change: p.Ala372Thr; replaces alanine 372 with threonine.
Molecular consequence: missense variant.
Genome position (GRCh38, 1-based): chr11:46,704,814, G>A. VCF-style: chr11-46704814-G-A. GRCh37 (hg19) VCF-style: chr11-46726364-G-A.
Other names: c.1090G>A, p.Ala364Thr (NM_001184751.2); short protein forms A372T, A364T.
Identifiers: ClinVar variation 849793 (VCV000849793.9), dbSNP rs141624151, ClinGen allele CA5966501.

ClinVar aggregate classification (germline): Conflicting classifications of pathogenicity. Review status: criteria provided, conflicting classifications (1 of 4 stars). 2 submissions from 2 submitters: Uncertain significance (1); Likely benign (1). Last evaluated 2026-01-29.

Allele frequency attached by ClinVar (database versions not stated): ExAC 0.00010; 1000 Genomes Project 30x 0.00016; 1000 Genomes Project 0.00020; ESP Exome Variant Server 0.00038; TOPMed 0.00046; gnomAD 0.00047 and 0.00058.
gnomAD v4.1: 129 of 1,599,914 alleles (0.0081%); highest among the groups gnomAD compares: African/African-American, 0.15%; no homozygotes.

Submissions (2):

Labcorp Genetics (formerly Invitae), Labcorp
Classification: Uncertain significance. Last evaluated: 2026-01-29. Review status: criteria provided, single submitter. Criteria: Invitae Variant Classification Sherloc (09022015). Collection method: clinical testing. Allele origin: germline.
Comment: This sequence change replaces alanine, which is neutral and non-polar, with threonine, which is neutral and polar, at codon 372 of the ZNF408 protein (p.Ala372Thr). This variant is present in population databases (rs141624151, gnomAD 0.1%). This variant has not been reported in the literature in individuals affected with ZNF408-related conditions. ClinVar contains an entry for this variant (Variation ID: 849793). An algorithm developed to predict the effect of missense changes on protein structure and function outputs the following: PolyPhen-2: "Benign". The threonine amino acid residue is found in multiple mammalian species, which suggests that this missense change does not adversely affect protein function. In summary, the available evidence is currently insufficient to determine the role of this variant in disease. Therefore, it has been classified as a Variant of Uncertain Significance.

Blueprint Genetics
Classification: Likely benign. Last evaluated: 2024-01-15. Review status: criteria provided, single submitter. Criteria: ACMG Guidelines, 2015. Collection method: clinical testing. Allele origin: germline.